The following is an entry in ClinVar:

NM_005198.5(CHKB):c.262C>G (p.Pro88Ala)

Genes: CHKB-CPT1B (CHKB-CPT1B readthrough (NMD candidate); minus strand), CHKB (choline kinase beta; minus strand). Cytogenetic location: 22q13.33.
Variant type: single nucleotide variant.
Coding change: c.262C>G on transcript NM_005198.5 (MANE Select); coding-DNA position 262, C replaced by G.
Protein change: p.Pro88Ala; replaces proline 88 with alanine.
Molecular consequence: missense variant. On other transcripts: non-coding transcript variant (1).
Genome position (GRCh38, 1-based): chr22:50,582,320, G>C on the plus strand (C>G on the coding strand, the complement: CHKB is on the minus strand). VCF-style: chr22-50582320-G-C. GRCh37 (hg19) VCF-style: chr22-51020749-G-C.
Other names: short protein forms P88A.
Identifiers: ClinVar variation 421711 (VCV000421711.8), dbSNP rs547428711, ClinGen allele CA10323840.

ClinVar aggregate classification (germline): Uncertain significance. Review status: criteria provided, multiple submitters, no conflicts (2 of 4 stars). 2 submissions from 2 submitters: Uncertain significance (2). Last evaluated 2022-07-15.

Conditions:
Megaconial type congenital muscular dystrophy (MDCMC). Also called: CHKB-Related Muscular Dystrophy; CHKB-Related Muscle Diseases; MUSCULAR DYSTROPHY, CONGENITAL, WITH MITOCHONDRIAL STRUCTURAL ABNORMALITIES. Identifiers: Orphanet 280671, MedGen C1865233, MONDO:0011246, OMIM 602541.

Allele frequency attached by ClinVar (database versions not stated): ExAC below 0.00001; gnomAD exomes 0.00001 and 0.00002; gnomAD 0.00002 and 0.00003; TOPMed 0.00002; 1000 Genomes Project 0.00020; 1000 Genomes Project 30x 0.00031.
gnomAD v4.1: 25 of 1,581,748 alleles (0.0016%); highest among the groups gnomAD compares: Admixed American, 0.009%; no homozygotes.

Submissions (2):

Labcorp Genetics (formerly Invitae), Labcorp
Classification: Uncertain significance for Megaconial type congenital muscular dystrophy. Last evaluated: 2022-07-15. Review status: criteria provided, single submitter. Criteria: Invitae Variant Classification Sherloc (09022015). Collection method: clinical testing. Allele origin: germline.
Comment: This sequence change replaces proline, which is neutral and non-polar, with alanine, which is neutral and non-polar, at codon 88 of the CHKB protein (p.Pro88Ala). The frequency data for this variant in the population databases is considered unreliable, as metrics indicate poor data quality at this position in the gnomAD database. This variant has not been reported in the literature in individuals affected with CHKB-related conditions. ClinVar contains an entry for this variant (Variation ID: 421711). Algorithms developed to predict the effect of missense changes on protein structure and function (SIFT, PolyPhen-2, Align-GVGD) all suggest that this variant is likely to be tolerated. In summary, the available evidence is currently insufficient to determine the role of this variant in disease. Therefore, it has been classified as a Variant of Uncertain Significance.

GeneDx
Classification: Uncertain significance. Last evaluated: 2016-08-03. Review status: criteria provided, single submitter. Criteria: GeneDx Variant Classification (06012015). Collection method: clinical testing. Allele origin: germline. Affected: yes.
Comment: A variant of uncertain significance has been identified in the CHKB gene. The P88A variant has not been published as a pathogenic variant, nor has it been reported as a benign variant to our knowledge. It was not observed in approximately 6,500 individuals of European and African American ancestry in the NHLBI Exome Sequencing Project, indicating it is not a common benign variant in these populations, and it was not observed with any significant frequency in the 1000 Genomes Project. This substitution occurs at a position that is not conserved. However, the P88A variant is a semi-conservative amino acid substitution, which may impact secondary protein structure as these residues differ in some properties. Additionally, in silico analysis predicts this variant is probably damaging to the protein structure/function. A missense variant at the same position (P88L) has been reported in the Human Gene Mutation Database in association with a CHKB-related disorder (Stenson et al., 2014). Therefore, based on the currently available information, it is unclear whether this variant is a pathogenic variant or a rare benign variant.